The following is an entry in ClinVar:

NM_017739.4(POMGNT1):c.1352G>A (p.Trp451Ter)

Genes: POMGNT1 (protein O-linked mannose N-acetylglucosaminyltransferase 1 (beta 1,2-); minus strand), TSPAN1 (tetraspanin 1; plus strand). Cytogenetic location: 1p34.1.
Variant type: single nucleotide variant.
Coding change: c.1352G>A on transcript NM_017739.4 (MANE Select); coding-DNA position 1352, G replaced by A.
Protein change: p.Trp451Ter; replaces tryptophan 451 with a stop codon.
Molecular consequence: nonsense.
Genome position (GRCh38, 1-based): chr1:46,192,369, C>T on the plus strand (G>A on the coding strand, the complement: POMGNT1 is on the minus strand). VCF-style: chr1-46192369-C-T. GRCh37 (hg19) VCF-style: chr1-46658041-C-T.
Other names: c.1352G>A, p.Trp451Ter (NM_001243766.2, NM_001410783.1); c.1286G>A, p.Trp429Ter (NM_001290129.3); c.923G>A, p.Trp308Ter (NM_001290130.2); short protein forms W308*, W451*, W429*.
Identifiers: ClinVar variation 2112726 (VCV002112726.5), dbSNP rs2525387871, ClinGen allele CA340175293.

ClinVar aggregate classification (germline): Pathogenic/Likely pathogenic. Review status: criteria provided, multiple submitters, no conflicts (2 of 4 stars). 2 submissions from 2 submitters: Pathogenic (1); Likely pathogenic (1). Last evaluated 2023-11-08.

Conditions:
Muscular dystrophy-dystroglycanopathy (congenital with brain and eye anomalies), type A3. Also called: Congenital muscular dystrophy-dystroglycanopathy with brain and eye anomalies, type A3; WALKER-WARBURG SYNDROME OR MUSCLE-EYE-BRAIN DISEASE, POMGNT1-RELATED; Muscular dystrophy-dystroglycanopathy (congenital with brain and eye anomalies), type A, 3. Identifiers: MedGen C3151519, MONDO:0009667, OMIM 253280.
Autosomal recessive limb-girdle muscular dystrophy type 2O. Also called: Limb-Girdle Muscular Dystrophy Type 3C; MUSCULAR DYSTROPHY-DYSTROGLYCANOPATHY (LIMB-GIRDLE), TYPE C, 3; MUSCULAR DYSTROPHY-DYSTROGLYCANOPATHY, LIMB-GIRDLE, POMGNT1-RELATED. Identifiers: Orphanet 206564, MedGen C3150417, MONDO:0013161, OMIM 613157.
Muscular dystrophy-dystroglycanopathy (congenital with impaired intellectual development), type B, 3. Also called: Muscular dystrophy-dystroglycanopathy (congenital with intellectual disability), type B3; MUSCULAR DYSTROPHY, CONGENITAL, POMGNT1-RELATED. Identifiers: MedGen C3150412, MONDO:0013155, OMIM 613151.

gnomAD v4.1: 5 of 1,614,210 alleles (0.00031%); highest among the groups gnomAD compares: Non-Finnish European, 0.00042%; no homozygotes.

Submissions (2):

Baylor Genetics
Classification: Likely pathogenic for Muscular dystrophy-dystroglycanopathy (congenital with brain and eye anomalies), type A3. Last evaluated: 2023-11-08. Review status: criteria provided, single submitter. Criteria: ACMG Guidelines, 2015. Collection method: clinical testing. Allele origin: unknown.

Labcorp Genetics (formerly Invitae), Labcorp
Classification: Pathogenic for Autosomal recessive limb-girdle muscular dystrophy type 2O; Muscular dystrophy-dystroglycanopathy (congenital with impaired intellectual development), type B, 3. Last evaluated: 2022-03-15. Review status: criteria provided, single submitter. Criteria: Invitae Variant Classification Sherloc (09022015). Collection method: clinical testing. Allele origin: germline.
Comment: For these reasons, this variant has been classified as Pathogenic. This variant has not been reported in the literature in individuals affected with POMGNT1-related conditions. This variant is not present in population databases (gnomAD no frequency). This sequence change creates a premature translational stop signal (p.Trp451*) in the POMGNT1 gene. It is expected to result in an absent or disrupted protein product. Loss-of-function variants in POMGNT1 are known to be pathogenic (PMID: 19299310, 20816175, 21447391, 26908613, 27391550).

Literature cited by the submitters: PubMed 19299310 (cited by Labcorp Genetics (formerly Invitae), Labcorp); PubMed 20816175 (cited by Labcorp Genetics (formerly Invitae), Labcorp); PubMed 21447391 (cited by Labcorp Genetics (formerly Invitae), Labcorp); PubMed 26908613 (cited by Labcorp Genetics (formerly Invitae), Labcorp); PubMed 27391550 (cited by Labcorp Genetics (formerly Invitae), Labcorp).